The following is an entry in ClinVar:

ClinVar aggregate classification (germline): Benign. Review status: criteria provided, multiple submitters, no conflicts (2 of 4 stars). 2 submissions from 2 submitters: Benign (2). Last evaluated 2018-06-16.

Allele frequency attached by ClinVar (database versions not stated): gnomAD 0.32728 and 0.32964; TOPMed 0.33906; 1000 Genomes Project 30x 0.35119; 1000 Genomes Project 0.35264.
gnomAD v4.1: 49,840 of 152,132 alleles (33%); highest among the groups gnomAD compares: African/African-American, 46%; 8,742 homozygotes.

Submissions (2):

GeneDx
Classification: Benign. Last evaluated: 2018-06-16. Review status: criteria provided, single submitter. Criteria: GeneDx Variant Classification (06012015). Collection method: clinical testing. Allele origin: germline. Affected: yes.
Comment: This variant is considered likely benign or benign based on one or more of the following criteria: it is a conservative change, it occurs at a poorly conserved position in the protein, it is predicted to be benign by multiple in silico algorithms, and/or has population frequency not consistent with disease.

Breakthrough Genomics
Classification: Benign. Review status: criteria provided, single submitter. Criteria: ACMG Guidelines, 2015. Collection method: not provided. Allele origin: germline. Inheritance: Autosomal recessive inheritance. Affected: yes.

NM_018249.6(CDK5RAP2):c.4605-174G>C

Gene: CDK5RAP2 (CDK5 regulatory subunit associated protein 2; minus strand). Cytogenetic location: 9q33.2.
Variant type: single nucleotide variant.
Coding change: c.4605-174G>C on transcript NM_018249.6 (MANE Select); 174 bases into the intron before coding-DNA position 4605, G replaced by C.
Molecular consequence: intron variant.
Genome position (GRCh38, 1-based): chr9:120,408,642, C>G on the plus strand (G>C on the coding strand, the complement: CDK5RAP2 is on the minus strand). VCF-style: chr9-120408642-C-G. GRCh37 (hg19) VCF-style: chr9-123170920-C-G.
Other names: c.3915-174G>C (NM_001272039.2); c.4605-174G>C (NM_001011649.3).
Identifiers: ClinVar variation 678318 (VCV000678318.2), dbSNP rs7874364, ClinGen allele CA13074773.
Genomic context (GRCh38, chr9:120,408,642, plus strand): 5'-AAGTGACAAGCATGGTTAAGAATTCCATGTGCTCTCTAATCCTAATTCCACTCCTCTGCT[C>G]AGAATCTCCCAGTGGCTTCCCATGCCACTCAGAGGAAAACCCAAAGTCCTCACACTGACT-3'